The following is an entry in ClinVar:

NM_005591.4(MRE11):c.32A>G (p.Asn11Ser)

Gene: MRE11 (MRE11 double strand break repair nuclease; minus strand). Cytogenetic location: 11q21.
Variant type: single nucleotide variant.
Coding change: c.32A>G on transcript NM_005591.4 (MANE Select); coding-DNA position 32, A replaced by G.
Protein change: p.Asn11Ser; replaces asparagine 11 with serine.
Molecular consequence: missense variant.
Genome position (GRCh38, 1-based): chr11:94,490,954, T>C on the plus strand (A>G on the coding strand, the complement: MRE11 is on the minus strand). VCF-style: chr11-94490954-T-C. GRCh37 (hg19) VCF-style: chr11-94224120-T-C.
Other names: c.32A>G, p.Asn11Ser (NM_001330347.2, NM_005590.4); short protein forms N11S.
Identifiers: ClinVar variation 534771 (VCV000534771.11), dbSNP rs1555018337, ClinGen allele CA382381133.

ClinVar aggregate classification (germline): Uncertain significance. Review status: criteria provided, multiple submitters, no conflicts (2 of 4 stars). 2 submissions from 2 submitters: Uncertain significance (2). Last evaluated 2024-10-29.

Conditions:
Hereditary cancer-predisposing syndrome. Also called: Neoplastic Syndromes, Hereditary; Tumor predisposition; Hereditary Cancer Syndrome; Hereditary neoplastic syndrome. Identifiers: Orphanet 140162, MedGen C0027672, MeSH D009386, MONDO:0015356.
Ataxia-telangiectasia-like disorder (ATLD). Identifiers: MedGen C1858391, MONDO:0011457.

Submissions (2):

Ambry Genetics
Classification: Uncertain significance for Hereditary cancer-predisposing syndrome. Last evaluated: 2024-10-29. Review status: criteria provided, single submitter. Criteria: Ambry Variant Classification Scheme 2023. Collection method: clinical testing. Allele origin: germline.
Comment: The p.N11S variant (also known as c.32A>G), located in coding exon 2 of the MRE11A gene, results from an A to G substitution at nucleotide position 32. The asparagine at codon 11 is replaced by serine, an amino acid with highly similar properties. This amino acid position is conserved. In addition, this alteration is predicted to be tolerated by in silico analysis. Based on the available evidence, the clinical significance of this variant remains unclear.

Labcorp Genetics (formerly Invitae), Labcorp
Classification: Uncertain significance for Ataxia-telangiectasia-like disorder. Last evaluated: 2017-11-23. Review status: criteria provided, single submitter. Criteria: Invitae Variant Classification Sherloc (09022015). Collection method: clinical testing. Allele origin: germline.
Comment: This variant has not been reported in the literature in individuals with MRE11-related disease. Algorithms developed to predict the effect of missense changes on protein structure and function do not agree on the potential impact of this missense change (SIFT: "Deleterious"; PolyPhen-2: "Benign"; Align-GVGD: "Class C0"). In summary, the available evidence is currently insufficient to determine the role of this variant in disease. Therefore, it has been classified as a Variant of Uncertain Significance. This variant is not present in population databases (ExAC no frequency). This sequence change replaces asparagine with serine at codon 11 of the MRE11 protein (p.Asn11Ser). The asparagine residue is weakly conserved and there is a small physicochemical difference between asparagine and serine.